The following is an entry in ClinVar:

NM_001609.4(ACADSB):c.901-2A>G

Gene: ACADSB (acyl-CoA dehydrogenase short/branched chain; plus strand). Cytogenetic location: 10q26.13.
Variant type: single nucleotide variant.
Coding change: c.901-2A>G on transcript NM_001609.4 (MANE Select); the canonical splice acceptor site of the intron before coding-DNA position 901, A replaced by G.
Molecular consequence: splice acceptor variant.
Genome position (GRCh38, 1-based): chr10:123,047,207, A>G. VCF-style: chr10-123047207-A-G. GRCh37 (hg19) VCF-style: chr10-124806723-A-G.
Other names: c.595-2A>G (NM_001330174.3).
Identifiers: ClinVar variation 2786901 (VCV002786901.3), dbSNP rs2493660060, ClinGen allele CA378620780.
Genomic context (GRCh38, chr10:123,047,207, plus strand): 5'-ACTTGGATAATTAAACTTATAACAAAATAAGAAATTCTGATCTTATTTTTTTGTTTTAAC[A>G]GATGCTGGGACTGGCGCAAGGATGTTTTGACTACACTATTCCATATATTAAAGAAAGGAT-3'

ClinVar aggregate classification (germline): Likely pathogenic (1 of 4 stars; one submission).

Conditions:
Deficiency of 2-methylbutyryl-CoA dehydrogenase (ACADSB). Also called: 2-methylbutyryl-CoA dehydrogenase deficiency; SBCAD deficiency; 2-methylbutyric aciduria; Short branched-chain acyl-CoA dehydrogenase deficiency; 2-methylbutyrylglycinuria. Identifiers: Orphanet 79157, MedGen C1864912, MONDO:0012392, OMIM 610006, HP:0020147.

Allele frequency attached by ClinVar (database versions not stated): gnomAD exomes below 0.00001.
gnomAD v4.1: 1 of 1,599,812 alleles (0.000063%); highest among the groups gnomAD compares: Non-Finnish European, 0.000086%; no homozygotes.

Submission:

Labcorp Genetics (formerly Invitae), Labcorp
Classification: Likely pathogenic for Deficiency of 2-methylbutyryl-CoA dehydrogenase. Last evaluated: 2026-01-05. Review status: criteria provided, single submitter. Criteria: Invitae Variant Classification Sherloc (09022015). Collection method: clinical testing. Allele origin: germline.
Comment: This sequence change affects an acceptor splice site in intron 7 of the ACADSB gene. It is expected to disrupt RNA splicing. Variants that disrupt the donor or acceptor splice site typically lead to a loss of protein function (PMID: 16199547), and loss-of-function variants in ACADSB are known to be pathogenic (PMID: 20547083, 26284228). This variant is not present in population databases (gnomAD no frequency). This variant has not been reported in the literature in individuals affected with ACADSB-related conditions. ClinVar contains an entry for this variant (Variation ID: 2786901). Algorithms developed to predict the effect of sequence changes on RNA splicing suggest that this variant may disrupt the consensus splice site. In summary, the currently available evidence indicates that the variant is pathogenic, but additional data are needed to prove that conclusively. Therefore, this variant has been classified as Likely Pathogenic.

Literature cited by the submitters: PubMed 16199547; PubMed 20547083; PubMed 26284228.